The following is an entry in ClinVar:

ClinVar aggregate classification (germline): Uncertain significance (1 of 4 stars; one submission).

Conditions:
Joubert syndrome 15 (JBTS15). Identifiers: Orphanet 475, MedGen C3280897, MONDO:0013763, OMIM 614464.

Allele frequency attached by ClinVar (database versions not stated): gnomAD exomes below 0.00001.
gnomAD v4.1: 2 of 1,614,020 alleles (0.00012%); highest among the groups gnomAD compares: Non-Finnish European, 0.00017%; no homozygotes.

Submission:

Labcorp Genetics (formerly Invitae), Labcorp
Classification: Uncertain significance for Joubert syndrome 15. Last evaluated: 2020-04-18. Review status: criteria provided, single submitter. Criteria: Invitae Variant Classification Sherloc (09022015). Collection method: clinical testing. Allele origin: germline.
Comment: In summary, the available evidence is currently insufficient to determine the role of this variant in disease. Therefore, it has been classified as a Variant of Uncertain Significance. Algorithms developed to predict the effect of missense changes on protein structure and function (SIFT, PolyPhen-2, Align-GVGD) all suggest that this variant is likely to be disruptive, but these predictions have not been confirmed by published functional studies and their clinical significance is uncertain. This variant has not been reported in the literature in individuals with CEP41-related conditions. This variant is not present in population databases (ExAC no frequency). This sequence change replaces serine with cysteine at codon 77 of the CEP41 protein (p.Ser77Cys). The serine residue is highly conserved and there is a moderate physicochemical difference between serine and cysteine.

NM_018718.3(CEP41):c.230C>G (p.Ser77Cys)

Gene: CEP41 (centrosomal protein 41; minus strand). Cytogenetic location: 7q32.2.
Variant type: single nucleotide variant.
Coding change: c.230C>G on transcript NM_018718.3 (MANE Select); coding-DNA position 230, C replaced by G.
Protein change: p.Ser77Cys; replaces serine 77 with cysteine.
Molecular consequence: missense variant. On other transcripts: non-coding transcript variant (1).
Genome position (GRCh38, 1-based): chr7:130,411,169, G>C on the plus strand (C>G on the coding strand, the complement: CEP41 is on the minus strand). VCF-style: chr7-130411169-G-C. GRCh37 (hg19) VCF-style: chr7-130051010-G-C.
Other names: c.230C>G, p.Ser77Cys (NM_001257158.2); c.182C>G, p.Ser61Cys (NM_001257159.2); short protein forms S61C, S77C.
Identifiers: ClinVar variation 1016948 (VCV001016948.7), dbSNP rs1797171055, ClinGen allele CA369289933.